The following is an entry in ClinVar:

ClinVar aggregate classification (germline): Uncertain significance (1 of 4 stars; one submission).

Submission:

Labcorp Genetics (formerly Invitae), Labcorp
Classification: Uncertain significance. Last evaluated: 2025-02-13. Review status: criteria provided, single submitter. Criteria: Invitae Variant Classification Sherloc (09022015). Collection method: clinical testing. Allele origin: germline.
Comment: This sequence change results in a frameshift in the SAMD11 gene (p.Leu654Profs*94). While this is not anticipated to result in nonsense mediated decay, it is expected to disrupt the last 28 amino acid(s) of the SAMD11 protein and extend the protein by 65 additional amino acid residues. This variant is present in population databases (no rsID available, gnomAD 0.004%). This variant has not been reported in the literature in individuals affected with SAMD11-related conditions. ClinVar contains an entry for this variant (Variation ID: 1043119). Experimental studies and prediction algorithms are not available or were not evaluated, and the functional significance of this variant is currently unknown. In summary, the available evidence is currently insufficient to determine the role of this variant in disease. Therefore, it has been classified as a Variant of Uncertain Significance.

NM_001385641.1(SAMD11):c.2428_2449dup (p.Leu817fs)

Gene: SAMD11 (sterile alpha motif domain containing 11; plus strand). Cytogenetic location: 1p36.33.
Variant type: Duplication.
Coding change: c.2428_2449dup on transcript NM_001385641.1 (MANE Select); coding-DNA positions 2428 to 2449, 22 bases duplicated (CCCTATGGAGGGGGCCACGCCC).
Protein change: p.Leu817fs; shifts the reading frame from leucine 817.
Molecular consequence: frameshift variant.
Genome position (GRCh38, 1-based): chr1:944,046-944,067, CCCTATGGAGGGGGCCACGCCC duplicated; duplicating any 22 consecutive bases within chr1:944,044-944,067 gives the same sequence; the c. name uses the placement nearest the transcript's 3' end. VCF-style (leftmost placement, unchanged base first): chr1-944043-T-TCCCCCTATGGAGGGGGCCACGC. GRCh37 (hg19) VCF-style: chr1-879423-T-TCCCCCTATGGAGGGGGCCACGC.
Other names: c.2431_2452dup, p.Leu818fs (NM_001385640.1); c.1939_1960dup, p.Leu654fs (NM_152486.4); short protein forms L654fs, L818fs, L817fs.
Identifiers: ClinVar variation 1043119 (VCV001043119.6), dbSNP rs1557612707, ClinGen allele CA520638772.
Genomic context (GRCh38, chr1:944,043, plus strand): 5'-CGGGCCCCGGAGCGAGAACTCGGCACAGGAGAGCAGCCCTTGTCCCCCACGACGGCCACG[T>TCCCCCTATGGAGGGGGCCACGC]CCCCCTATGGAGGGGGCCACGCCCTTGCCGGTCAAACTTCACCCAAGCAGGAGAATGGGA-3'